The following is an entry in ClinVar:

ClinVar aggregate classification (germline): Uncertain significance (1 of 4 stars; one submission).

Conditions:
Charcot-Marie-Tooth disease type 2. Also called: Charcot-Marie-Tooth type 2. Identifiers: Orphanet 64746, MedGen C0270914, MONDO:0018993.

Submission:

Labcorp Genetics (formerly Invitae), Labcorp
Classification: Uncertain significance for Charcot-Marie-Tooth disease type 2. Last evaluated: 2016-02-08. Review status: criteria provided, single submitter. Criteria: Invitae Variant Classification Sherloc (09022015). Collection method: clinical testing. Allele origin: germline.
Comment: This sequence change deletes 3 nucleotides from exon 14 of the GARS mRNA (c.1790_1792delAAG). This leads to the deletion of 1 amino acid residue(s) in the GARS protein (p.Glu597del) but otherwise preserves the integrity of the reading frame. This variant is not present in population databases (ExAC no frequency) and has not been reported in the literature in individuals with a GARS-related disease. In summary, this is a novel in-frame deletion with uncertain impact on protein function. It has been classified as a Variant of Uncertain Significance.

NM_002047.4(GARS1):c.1790_1792del (p.Glu597del)

Gene: GARS1 (glycyl-tRNA synthetase 1; plus strand). Cytogenetic location: 7p14.3.
Variant type: Deletion.
Coding change: c.1790_1792del on transcript NM_002047.4 (MANE Select); coding-DNA positions 1790 to 1792, 3 bases deleted (AAG; older notation c.1790_1792delAAG).
Protein change: p.Glu597del; deletes glutamic acid 597.
Molecular consequence: inframe deletion.
Genome position (GRCh38, 1-based): chr7:30,628,650-30,628,652, AAG deleted; deleting any 3 consecutive bases within chr7:30,628,648-30,628,652 gives the same sequence; the c. name uses the placement nearest the transcript's 3' end. VCF-style (leftmost placement, unchanged base first): chr7-30628647-GAGA-G. GRCh37 (hg19) VCF-style: chr7-30668263-GAGA-G.
Other names: c.1790_1792del (LRG_243t1); c.1628_1630del, p.Glu543del (NM_001316772.1); short protein forms E597del, E543del.
Identifiers: ClinVar variation 246653 (VCV000246653.6), dbSNP rs879254345, ClinGen allele CA10584676.